The following is an entry in ClinVar:

NM_001103.4(ACTN2):c.1657-204G>A

Gene: ACTN2 (actinin alpha 2; plus strand). Cytogenetic location: 1q43.
Variant type: single nucleotide variant.
Coding change: c.1657-204G>A on transcript NM_001103.4 (MANE Select); 204 bases into the intron before coding-DNA position 1657, G replaced by A.
Molecular consequence: intron variant.
Genome position (GRCh38, 1-based): chr1:236,751,266, G>A. VCF-style: chr1-236751266-G-A. GRCh37 (hg19) VCF-style: chr1-236914566-G-A.
Other names: c.1033-204G>A (NM_001278344.2); c.1657-204G>A (NM_001278343.2).
Identifiers: ClinVar variation 676053 (VCV000676053.1), dbSNP rs115709068, ClinGen allele CA39738715.
Genomic context (GRCh38, chr1:236,751,266, plus strand): 5'-TGATTAAAAAAAATTATTTTTTAAAAGACTCTACATGAATAGCCACCAATATTATTAATA[G>A]TCATCATGACATCCTTTTTCCATTTTCCAGGAACTTGACTTCTGTGTACCTAAAGAGTTT-3'

ClinVar aggregate classification (germline): Likely benign (1 of 4 stars; one submission).

Allele frequency attached by ClinVar (database versions not stated): gnomAD 0.00528 and 0.00561; 1000 Genomes Project 0.00579; TOPMed 0.00589; 1000 Genomes Project 30x 0.00593.
gnomAD v4.1: 795 of 152,184 alleles (0.52%); highest among the groups gnomAD compares: African/African-American, 1.8%; 9 homozygotes.

Submission:

GeneDx
Classification: Likely benign. Last evaluated: 2018-06-19. Review status: criteria provided, single submitter. Criteria: GeneDx Variant Classification (06012015). Collection method: clinical testing. Allele origin: germline. Affected: yes.
Comment: This variant is considered likely benign or benign based on one or more of the following criteria: it is a conservative change, it occurs at a poorly conserved position in the protein, it is predicted to be benign by multiple in silico algorithms, and/or has population frequency not consistent with disease.